The following is an entry in ClinVar:

ClinVar aggregate classification (germline): Uncertain significance. Review status: criteria provided, multiple submitters, no conflicts (2 of 4 stars). 2 submissions from 2 submitters: Uncertain significance (2). Last evaluated 2023-01-16.

Submissions (2):

GeneDx
Classification: Uncertain significance. Last evaluated: 2023-01-16. Review status: criteria provided, single submitter. Criteria: GeneDx Variant Classification Process June 2021. Collection method: clinical testing. Allele origin: germline. Affected: yes.
Comment: Not observed at significant frequency in large population cohorts (gnomAD); In silico analysis supports that this missense variant does not alter protein structure/function; Has not been previously published as pathogenic or benign to our knowledge

Women's Health and Genetics/Laboratory Corporation of America, LabCorp
Classification: Uncertain significance. Last evaluated: 2019-07-23. Review status: criteria provided, single submitter. Criteria: LabCorp Variant Classification Summary - May 2015. Collection method: clinical testing. Allele origin: germline.
Comment: Variant summary: SETD2 c.6793G>A (p.Val2265Ile) results in a conservative amino acid change in the encoded protein sequence. Four of five in-silico tools predict a benign effect of the variant on protein function. The variant was absent in 251426 control chromosomes (gnomAD). The available data on variant occurrences in the general population are insufficient to allow any conclusion about variant significance. To our knowledge, no occurrence of c.6793G>A in individuals affected with Luscan-lumish syndrome and no experimental evidence demonstrating its impact on protein function have been reported. No clinical diagnostic laboratories have submitted clinical-significance assessments for this variant to ClinVar after 2014. Based on the evidence outlined above, the variant was classified as uncertain significance.

NM_014159.7(SETD2):c.6793G>A (p.Val2265Ile)

Gene: SETD2 (SET domain containing 2, histone lysine methyltransferase; minus strand). Cytogenetic location: 3p21.31.
Variant type: single nucleotide variant.
Coding change: c.6793G>A on transcript NM_014159.7 (MANE Select); coding-DNA position 6793, G replaced by A.
Protein change: p.Val2265Ile; replaces valine 2265 with isoleucine.
Molecular consequence: missense variant. On other transcripts: non-coding transcript variant (1).
Genome position (GRCh38, 1-based): chr3:47,056,991, C>T on the plus strand (G>A on the coding strand, the complement: SETD2 is on the minus strand). VCF-style: chr3-47056991-C-T. GRCh37 (hg19) VCF-style: chr3-47098481-C-T.
Other names: c.6661G>A, p.Val2221Ile (NM_001349370.3); short protein forms V2221I, V2265I.
Identifiers: ClinVar variation 929076 (VCV000929076.2), dbSNP rs2040110568, ClinGen allele CA352519683.